The following is an entry in ClinVar:

ClinVar aggregate classification (germline): Likely benign (1 of 4 stars; one submission).

gnomAD v4.1: 595 of 398,376 alleles (0.15%); highest among the groups gnomAD compares: African/African-American, 1%; 2 homozygotes.

Submission:

CeGaT Center for Human Genetics Tuebingen
Classification: Likely benign. Last evaluated: 2026-06-01. Review status: criteria provided, single submitter. Criteria: CeGaT Center For Human Genetics Tuebingen Variant Classification Criteria Version 2. Collection method: clinical testing. Allele origin: germline. Affected: yes. Observed: 4 variant alleles.
Comment: KCNQ1OT1: BS1

NM_000218.3(KCNQ1):c.1393+23039G>A

Genes: KCNQ1 (potassium voltage-gated channel subfamily Q member 1; plus strand), KCNQ1OT1 (KCNQ1 opposite strand/antisense transcript 1; minus strand). Cytogenetic location: 11p15.5.
Variant type: single nucleotide variant.
Coding change: c.1393+23039G>A on transcript NM_000218.3 (MANE Select); 23039 bases into the intron after coding-DNA position 1393, G replaced by A.
Molecular consequence: intron variant. On other transcripts: non-coding transcript variant (1).
Genome position (GRCh38, 1-based): chr11:2,611,893, G>A. VCF-style: chr11-2611893-G-A. GRCh37 (hg19) VCF-style: chr11-2633123-G-A.
Other names: c.1123+23039G>A (NM_001406837.1); c.1297+23039G>A (NM_001406836.1); c.853+23039G>A (NM_001406838.1); c.1012+23039G>A (NM_181798.2).
Identifiers: ClinVar variation 4534559 (VCV004534559.6).